The following is an entry in ClinVar:

NM_000059.4(BRCA2):c.31T>C (p.Phe11Leu)

Gene: BRCA2 (BRCA2 DNA repair associated; plus strand). Cytogenetic location: 13q13.1.
Variant type: single nucleotide variant.
Coding change: c.31T>C on transcript NM_000059.4 (MANE Select); coding-DNA position 31, T replaced by C.
Protein change: p.Phe11Leu; replaces phenylalanine 11 with leucine.
Molecular consequence: missense variant.
Genome position (GRCh38, 1-based): chr13:32,316,491, T>C. VCF-style: chr13-32316491-T-C. GRCh37 (hg19) VCF-style: chr13-32890628-T-C.
Other names: short protein forms F11L.
Identifiers: ClinVar variation 1692109 (VCV001692109.8), dbSNP rs1566214589, ClinGen allele CA387752990.

ClinVar aggregate classification (germline): Uncertain significance. Review status: criteria provided, multiple submitters, no conflicts (2 of 4 stars). 4 submissions from 4 submitters: Uncertain significance (4). Last evaluated 2023-12-26.

Conditions:
Hereditary cancer-predisposing syndrome. Also called: Hereditary Cancer Syndrome; Hereditary neoplastic syndrome; Neoplastic Syndromes, Hereditary; Tumor predisposition. Identifiers: Orphanet 140162, MedGen C0027672, MeSH D009386, MONDO:0015356.
Hereditary breast ovarian cancer syndrome. Also called: Hereditary breast and ovarian cancer syndrome; Hereditary breast and ovarian cancer syndrome (HBOC); Breast and ovarian cancer; Hereditary breast and ovarian cancer; Hereditary breast and/or ovarian cancer syndrome; BRCA1- and BRCA2-Associated Hereditary Breast and Ovarian Cancer. Identifiers: Orphanet 145, MedGen C0677776, MeSH D061325, MONDO:0003582. Disease mechanism: loss of function.

Allele frequency attached by ClinVar (database versions not stated): TOPMed below 0.00001.

Submissions (4):

Labcorp Genetics (formerly Invitae), Labcorp
Classification: Uncertain significance for Hereditary breast ovarian cancer syndrome. Last evaluated: 2023-12-26. Review status: criteria provided, single submitter. Criteria: Invitae Variant Classification Sherloc (09022015). Collection method: clinical testing. Allele origin: germline.
Comment: This sequence change replaces phenylalanine, which is neutral and non-polar, with leucine, which is neutral and non-polar, at codon 11 of the BRCA2 protein (p.Phe11Leu). This variant is not present in population databases (gnomAD no frequency). This variant has not been reported in the literature in individuals affected with BRCA2-related conditions. ClinVar contains an entry for this variant (Variation ID: 1692109). Advanced modeling of protein sequence and biophysical properties (such as structural, functional, and spatial information, amino acid conservation, physicochemical variation, residue mobility, and thermodynamic stability) performed at Invitae indicates that this missense variant is not expected to disrupt BRCA2 protein function with a negative predictive value of 95%. In summary, the available evidence is currently insufficient to determine the role of this variant in disease. Therefore, it has been classified as a Variant of Uncertain Significance.

Color Diagnostics, LLC DBA Color Health
Classification: Uncertain significance for Hereditary cancer-predisposing syndrome. Last evaluated: 2023-03-28. Review status: criteria provided, single submitter. Criteria: ACMG Guidelines, 2015. Collection method: clinical testing. Allele origin: germline.
Comment: This missense variant replaces phenylalanine with leucine at codon 11 of the BRCA2 protein. Computational prediction suggests that this variant may not impact protein structure and function (internally defined REVEL score threshold <= 0.5, PMID: 27666373). To our knowledge, functional studies have not been reported for this variant. This variant has been reported in at least one individual affected with breast cancer (PMID: 33113089). This variant has not been identified in the general population by the Genome Aggregation Database (gnomAD). The available evidence is insufficient to determine the role of this variant in disease conclusively. Therefore, this variant is classified as a Variant of Uncertain Significance.

Sema4
Classification: Uncertain significance for Hereditary cancer-predisposing syndrome. Last evaluated: 2021-10-14. Review status: criteria provided, single submitter. Criteria: Sema4 Curation Guidelines. Collection method: curation. Allele origin: germline.
Comment: The BRCA2 c.31T>C (p.F11L) variant has not been reported in the literature to our knowledge. It was not observed in the large and broad cohorts of the Genome Aggregation Database, and has not been reported in ClinVar. In silico tools suggest the impact of the variant on protein function is benign, though these predictions have not been confirmed by functional studies. The evidence is insufficient to meet ACMG/AMP criteria for classifying the variant as benign or pathogenic. Thus, the clinical significance of this variant is currently uncertain.

Ambry Genetics
Classification: Uncertain significance for Hereditary cancer-predisposing syndrome. Last evaluated: 2021-08-09. Review status: criteria provided, single submitter. Criteria: Ambry Variant Classification Scheme 2023. Collection method: clinical testing. Allele origin: germline.
Comment: The p.F11L variant (also known as c.31T>C), located in coding exon 1 of the BRCA2 gene, results from a T to C substitution at nucleotide position 31. The phenylalanine at codon 11 is replaced by leucine, an amino acid with highly similar properties. This amino acid position is well conserved in available vertebrate species. In addition, this alteration is predicted to be tolerated by in silico analysis. Since supporting evidence is limited at this time, the clinical significance of this alteration remains unclear.

Literature cited by the submitters: PubMed 33113089 (cited by Color Diagnostics, LLC DBA Color Health); PubMed 29884841 (cited by Ambry Genetics).